The following is an entry in ClinVar:

NM_006432.5(NPC2):c.326del (p.Tyr109fs)

Gene: NPC2 (NPC intracellular cholesterol transporter 2; minus strand). Cytogenetic location: 14q24.3.
Variant type: Deletion.
Coding change: c.326del on transcript NM_006432.5 (MANE Select); coding-DNA position 326, one base deleted (A; older notation c.326delA).
Protein change: p.Tyr109fs; shifts the reading frame from tyrosine 109.
Molecular consequence: frameshift variant.
Genome position (GRCh38, 1-based): chr14:74,484,452, T deleted on the plus strand (A on the coding strand, the reverse complement: NPC2 is on the minus strand). VCF-style (leftmost placement, unchanged base first): chr14-74484451-GT-G. GRCh37 (hg19) VCF-style: chr14-74951154-GT-G.
Other names: c.326del, p.Tyr109fs (NM_001363688.1, NM_001375440.1); short protein forms Y109fs.
Identifiers: ClinVar variation 4815505 (VCV004815505.2).

ClinVar aggregate classification (germline): Pathogenic/Likely pathogenic. Review status: criteria provided, multiple submitters, no conflicts (2 of 4 stars). 2 submissions from 2 submitters: Pathogenic (1); Likely pathogenic (1). Last evaluated 2025-11-19.

Conditions:
Niemann-Pick disease, type C2 (NPC2). Identifiers: Orphanet 646, MedGen C1843366, MONDO:0011873, OMIM 607625.

Submissions (2):

Natera, Inc.
Classification: Likely pathogenic for Niemann-Pick disease type C2. Last evaluated: 2025-11-19. Review status: criteria provided, single submitter. Criteria: Natera Variant Classification Schema (03/2026). Collection method: clinical testing. Allele origin: germline.
Comment: The c.326del variant in NPC2 is a frameshift variant predicted to shift the reading frame beginning at codon 109 and leads to a stop codon 2 codons downstream. This variant is expected to result in nonsense mediated decay, truncation, or a dysfunctional protein product. This variant is rare in the general population with a frequency below the threshold expected for the associated phenotype(s). Given the available evidence, this variant is classified as Likely Pathogenic.

Myriad Genetics, Inc.
Classification: Pathogenic for Niemann-Pick disease, type C2. Last evaluated: 2023-08-21. Review status: criteria provided, single submitter. Criteria: Myriad Autosomal Dominant, Autosomal Recessive and X-Linked Classification Criteria (2023). Collection method: clinical testing. Allele origin: unknown.
Comment: NM_006432.3(NPC2):c.326delA(Y109Sfs*2) is expected to be pathogenic in the context of Niemann-Pick disease type C2. This variant is predicted to lead to an abnormal or absent protein product due to the creation of a premature termination codon in NPC2, a gene where loss-of-function variants are known to be pathogenic. Please note: this variant was assessed in the context of healthy population screening.